The following is an entry in ClinVar:

NM_001369369.1(FOXN1):c.1376C>A (p.Ser459Ter)

Gene: FOXN1 (forkhead box N1; plus strand). Cytogenetic location: 17q11.2.
Variant type: single nucleotide variant.
Coding change: c.1376C>A on transcript NM_001369369.1 (MANE Select); coding-DNA position 1376, C replaced by A.
Protein change: p.Ser459Ter; replaces serine 459 with a stop codon.
Molecular consequence: nonsense.
Genome position (GRCh38, 1-based): chr17:28,534,947, C>A. VCF-style: chr17-28534947-C-A. GRCh37 (hg19) VCF-style: chr17-26861965-C-A.
Other names: NM_001369369.1(FOXN1):c.1376C>A; p.Ser459Ter; c.1376C>A, p.Ser459Ter (NM_003593.3); short protein forms S459*.
Identifiers: ClinVar variation 837219 (VCV000837219.8), dbSNP rs745708044, ClinGen allele CA8459509.

ClinVar aggregate classification (germline): Pathogenic. Review status: reviewed by expert panel (3 of 4 stars). 2 submissions from 2 submitters: Pathogenic (1). 1 of the submissions does not count toward it. Last evaluated 2025-04-25.

Conditions:
T-cell immunodeficiency, congenital alopecia, and nail dystrophy. Also called: Congenital alopecia and nail dystrophy associated with severe functional T-cell immunodeficiency; Pignata Guarino syndrome. Identifiers: Orphanet 169095, MedGen C1866426, MONDO:0011132, OMIM 601705.

Allele frequency attached by ClinVar (database versions not stated): gnomAD exomes below 0.00001; TOPMed below 0.00001; ExAC 0.00001.
gnomAD v4.1: 1 of 1,614,116 alleles (0.000062%); highest among the groups gnomAD compares: Non-Finnish European, 0.000085%; no homozygotes.

Submissions (2):

ClinGen Severe Combined Immunodeficiency Variant Curation Expert Panel, ClinGen
Classification: Pathogenic for T-cell immunodeficiency, congenital alopecia, and nail dystrophy. Last evaluated: 2025-04-25. Review status: reviewed by expert panel. Criteria: ClinGen SCID ACMG Specifications FOXN1 V2.0.0. Collection method: curation. Allele origin: germline. Inheritance: Semidominant inheritance.
Comment: The NM_001369369.1:c.1376C>A variant in FOXN1 is a nonsense variant predicted to cause a premature stop codon in biologically-relevant-exon 8/9 leading to nonsense mediated decay (PVS1). The highest population minor allele frequency in gnomAD v4.1.0 is 8.475e-7 (1/1180000 alleles) in European (non-Finnish) population, which is lower than the SCID-VCEP threshold (<0.00002412) for PM2_Supporting. No homozygous individual has been observed (PM2_Supporting). A pathogenic variant p.Gln474Ter curated by the SCID VCEP causes premature termination codon in the same exon and downstream to the variant under assessment (PM5_Supporting). In summary, this variant meets the criteria to be classified as pathogenic for SCID. ACMG/AMP criteria applied, as specified by the ClinGen SCID-VCEP: PVS1, PM2_Supporting, PM5_Supporting. (VCEP specifications version 2.0.0)

Labcorp Genetics (formerly Invitae), Labcorp
Classification: Pathogenic for T-cell immunodeficiency, congenital alopecia, and nail dystrophy. Last evaluated: 2019-11-29. Review status: criteria provided, single submitter. Criteria: Invitae Variant Classification Sherloc (09022015). Collection method: clinical testing. Allele origin: germline. Not counted in ClinVar's aggregate classification.
Comment: For these reasons, this variant has been classified as Pathogenic. Loss-of-function variants in FOXN1 are known to be pathogenic (PMID: 10206641, 15180707, 31447097). This variant has not been reported in the literature in individuals with FOXN1-related conditions. The frequency data for this variant in the population databases is considered unreliable, as metrics indicate poor data quality at this position in the ExAC database. This sequence change creates a premature translational stop signal (p.Ser459*) in the FOXN1 gene. It is expected to result in an absent or disrupted protein product.

Literature cited by the submitters: PubMed 10206641 (cited by Labcorp Genetics (formerly Invitae), Labcorp); PubMed 15180707 (cited by Labcorp Genetics (formerly Invitae), Labcorp); PubMed 31447097 (cited by Labcorp Genetics (formerly Invitae), Labcorp).